The following is an entry in ClinVar:

ClinVar aggregate classification (germline): Pathogenic (1 of 4 stars; one submission).

Conditions:
Mucopolysaccharidosis, MPS-II (MPS2). Also called: Hunter Syndrome; IDURONATE 2-SULFATASE DEFICIENCY; Mucopolysaccharidosis Type II; Mucopolysaccharidosis type 2; Attenuated MPS (subtype; formerly known as mild MPS II); Severe MPS II. Identifiers: Orphanet 580, Orphanet 79388, MedGen C0026705, MONDO:0010674, OMIM 309900.

Submission:

Laboratory of Diagnosis and Therapy of Lysosomal Disorders, University of Padova
Classification: Pathogenic for Mucopolysaccharidosis, MPS-II. Last evaluated: 2024-06-07. Review status: criteria provided, single submitter. Criteria: ACMG Guidelines, 2015. Collection method: literature only. Allele origin: germline. Affected: yes. Observed: 2 variant alleles.
Comment: Null variant (PVS1_VeryStrong), Absent from controls (or at low frequency) in gnomAD database (PM2_Moderate), Patient’s phenotype or family history highly specific for the disease (PP4_Strong)

Classification method: ACMG Guidelines [PMID:25741868] with modifications

Literature cited by the submitters: PubMed 30639582.

NM_000202.8(IDS):c.1075del (p.Pro358_Leu359insTer)

Genes: IDS (iduronate 2-sulfatase; minus strand), LOC106050102 (IDS recombination region; plus strand). Cytogenetic location: Xq28.
Variant type: Deletion.
Coding change: c.1075del on transcript NM_000202.8 (MANE Select); coding-DNA position 1075, one base deleted (C; older notation c.1075delC).
Protein change: p.Pro358_Leu359insTer.
Molecular consequence: nonsense.
Genome position (GRCh38, 1-based): chrX:149,487,030, G deleted on the plus strand (C on the coding strand, the reverse complement: IDS is on the minus strand); the first of 4 consecutive G bases (chrX:149,487,030-149,487,033); deleting any one gives the same sequence. VCF-style (leftmost placement, unchanged base first): chrX-149487029-AG-A. GRCh37 (hg19) VCF-style: chrX-148568560-AG-A.
Other names: c.805del, p.Pro268_Leu269insTer (NM_001166550.4).
Identifiers: ClinVar variation 3255959 (VCV003255959.2).